The following is an entry in ClinVar:

ClinVar aggregate classification (germline): Uncertain significance (1 of 4 stars; one submission).

Conditions:
Hypertrophic cardiomyopathy. Also called: HYPERTROPHIC MYOCARDIOPATHY. Identifiers: Orphanet 217569, MedGen C0007194, MeSH D002312, MONDO:0005045, HP:0001639.

gnomAD v4.1: 1 of 1,613,930 alleles (0.000062%); highest among the groups gnomAD compares: Non-Finnish European, 0.000085%; no homozygotes.

Submission:

Labcorp Genetics (formerly Invitae), Labcorp
Classification: Uncertain significance for Hypertrophic cardiomyopathy. Last evaluated: 2026-01-11. Review status: criteria provided, single submitter. Criteria: Invitae Variant Classification Sherloc (09022015). Collection method: clinical testing. Allele origin: germline.
Comment: This sequence change replaces alanine, which is neutral and non-polar, with glycine, which is neutral and non-polar, at codon 1273 of the MYOM1 protein (p.Ala1273Gly). This variant is not present in population databases (gnomAD no frequency). This variant has not been reported in the literature in individuals affected with MYOM1-related conditions. Invitae Evidence Modeling of protein sequence and biophysical properties (such as structural, functional, and spatial information, amino acid conservation, physicochemical variation, residue mobility, and thermodynamic stability) indicates that this missense variant is not expected to disrupt MYOM1 protein function with a negative predictive value of 80%. In summary, the available evidence is currently insufficient to determine the role of this variant in disease. Therefore, it has been classified as a Variant of Uncertain Significance.

NM_003803.4(MYOM1):c.3818C>G (p.Ala1273Gly)

Gene: MYOM1 (myomesin 1; minus strand). Cytogenetic location: 18p11.31.
Variant type: single nucleotide variant.
Coding change: c.3818C>G on transcript NM_003803.4 (MANE Select); coding-DNA position 3818, C replaced by G.
Protein change: p.Ala1273Gly; replaces alanine 1273 with glycine.
Molecular consequence: missense variant.
Genome position (GRCh38, 1-based): chr18:3,094,216, G>C on the plus strand (C>G on the coding strand, the complement: MYOM1 is on the minus strand). VCF-style: chr18-3094216-G-C. GRCh37 (hg19) VCF-style: chr18-3094214-G-C.
Other names: c.3530C>G, p.Ala1177Gly (NM_019856.2); short protein forms A1177G, A1273G.
Identifiers: ClinVar variation 4740840 (VCV004740840.1).